The following is an entry in ClinVar:

ClinVar aggregate classification (germline): Likely pathogenic. Review status: criteria provided, single submitter (1 of 4 stars). 2 submissions from 1 submitter: Likely pathogenic (2). Last evaluated 2020-08-03.

Conditions:
Developmental and epileptic encephalopathy, 9 (DEE9). Also called: JUBERG-HELLMAN SYNDROME; Early infantile epileptic encephalopathy 9; EPILEPSY, FEMALE-RESTRICTED, WITH MENTAL RETARDATION; PCDH19-Related X-Linked Female-Limited Epilepsy with Mental Retardation. Identifiers: Orphanet 101039, Orphanet 2076, MedGen C1848137, MONDO:0010246, OMIM 300088. Disease mechanism: loss of function.
Intellectual disability. Also called: intellectual disabilities; Intellectual developmental disorder; Intellectual functioning disability. Identifiers: MedGen C3714756, MeSH D008607, MONDO:0001071, HP:0001249.

Submissions (2):

Institute of Human Genetics, University of Leipzig Medical Center
Classification: Likely pathogenic for Intellectual disability. Last evaluated: 2020-08-03. Review status: criteria provided, single submitter. Criteria: ACMG Guidelines, 2015. Collection method: clinical testing. Allele origin: unknown. Affected: yes.
Comment: Inheritance for this variant was unknown.

Institute of Human Genetics, University of Leipzig Medical Center
Classification: Likely pathogenic for Developmental and epileptic encephalopathy, 9. Last evaluated: 2019-01-01. Review status: criteria provided, single submitter. Criteria: ACMG Guidelines, 2015. Collection method: clinical testing. Allele origin: unknown. Affected: yes.
Comment: This variant was identified as compound heterozygous.

NM_001184880.2(PCDH19):c.445C>G (p.Pro149Ala)

Gene: PCDH19 (protocadherin 19; minus strand). Cytogenetic location: Xq22.1.
Variant type: single nucleotide variant.
Coding change: c.445C>G on transcript NM_001184880.2 (MANE Select); coding-DNA position 445, C replaced by G.
Protein change: p.Pro149Ala; replaces proline 149 with alanine.
Molecular consequence: missense variant.
Genome position (GRCh38, 1-based): chrX:100,408,153, G>C on the plus strand (C>G on the coding strand, the complement: PCDH19 is on the minus strand). VCF-style: chrX-100408153-G-C. GRCh37 (hg19) VCF-style: chrX-99663151-G-C.
Other names: c.445C>G, p.Pro149Ala (NM_001105243.2, NM_020766.3); short protein forms P149A.
Identifiers: ClinVar variation 977610 (VCV000977610.2), dbSNP rs1928459143, ClinGen allele CA414009672.